The following is an entry in ClinVar:

ClinVar aggregate classification (germline): Uncertain significance. Review status: criteria provided, multiple submitters, no conflicts (2 of 4 stars). 2 submissions from 2 submitters: Uncertain significance (2). Last evaluated 2025-05-05.

Conditions:
Developmental delay, impaired speech, and behavioral abnormalities. Identifiers: MedGen C5561957, MONDO:0859178, OMIM 619475.

Submissions (2):

GeneDx
Classification: Uncertain significance. Last evaluated: 2025-05-05. Review status: criteria provided, single submitter. Criteria: GeneDx Variant Classification Process June 2021. Collection method: clinical testing. Allele origin: germline. Affected: yes.
Comment: Not observed at significant frequency in large population cohorts (gnomAD); In silico analysis supports that this missense variant has a deleterious effect on protein structure/function; Has not been previously published as pathogenic or benign to our knowledge

Revvity Omics, Revvity
Classification: Uncertain significance for Developmental delay, impaired speech, and behavioral abnormalities. Last evaluated: 2024-10-01. Review status: criteria provided, single submitter. Criteria: ACMG Guidelines, 2015. Collection method: clinical testing. Allele origin: germline.

NM_003128.3(SPTBN1):c.1545A>C (p.Glu515Asp)

Gene: SPTBN1 (spectrin beta, non-erythrocytic 1; plus strand). Cytogenetic location: 2p16.2.
Variant type: single nucleotide variant.
Coding change: c.1545A>C on transcript NM_003128.3 (MANE Select); coding-DNA position 1545, A replaced by C.
Protein change: p.Glu515Asp; replaces glutamic acid 515 with aspartic acid.
Molecular consequence: missense variant.
Genome position (GRCh38, 1-based): chr2:54,626,135, A>C. VCF-style: chr2-54626135-A-C. GRCh37 (hg19) VCF-style: chr2-54853272-A-C.
Other names: c.1506A>C, p.Glu502Asp (NM_178313.3); c.1545A>C (NM_003128.2); short protein forms E502D, E515D.
Identifiers: ClinVar variation 4080366 (VCV004080366.2).